The following is an entry in ClinVar:

NM_001127222.2(CACNA1A):c.6922G>A (p.Gly2308Ser)

Gene: CACNA1A (calcium voltage-gated channel subunit alpha1 A; minus strand). Cytogenetic location: 19p13.13.
Variant type: single nucleotide variant.
Coding change: c.6922G>A on transcript NM_001127222.2 (MANE Select); coding-DNA position 6922, G replaced by A.
Protein change: p.Gly2308Ser; replaces glycine 2308 with serine.
Molecular consequence: missense variant. On other transcripts: 3 prime UTR variant (3).
Genome position (GRCh38, 1-based): chr19:13,207,912, C>T on the plus strand (G>A on the coding strand, the complement: CACNA1A is on the minus strand). VCF-style: chr19-13207912-C-T. GRCh37 (hg19) VCF-style: chr19-13318726-C-T.
Other names: c.*134G>A (NM_001127221.1, NM_000068.4, NM_001127221.2 and 1 more transcripts); c.6940G>A, p.Gly2314Ser (NM_023035.3); c.6922G>A (NM_001127222.1); short protein forms G2308S, G2314S.
Identifiers: ClinVar variation 1690701 (VCV001690701.31), dbSNP rs758924907, ClinGen allele CA9239237.

ClinVar aggregate classification (germline): Conflicting classifications of pathogenicity. Review status: criteria provided, conflicting classifications (1 of 4 stars). 6 submissions from 6 submitters: Uncertain significance (3); Likely benign (2). 1 of the submissions does not count toward it. Last evaluated 2026-06-01.

Conditions:
Inborn genetic diseases. Identifiers: MedGen C0950123, MeSH D030342.
CACNA1A-related disorder. Also called: CACNA1A-related condition.

Allele frequency attached by ClinVar (database versions not stated): gnomAD 0.00005 and 0.00006; gnomAD exomes 0.00008; ExAC 0.00018.
gnomAD v4.1: 134 of 1,464,278 alleles (0.0092%); highest among the groups gnomAD compares: Middle Eastern, 0.09%; no homozygotes.

Submissions (6):

CeGaT Center for Human Genetics Tuebingen
Classification: Uncertain significance. Last evaluated: 2026-06-01. Review status: criteria provided, single submitter. Criteria: CeGaT Center For Human Genetics Tuebingen Variant Classification Criteria Version 2. Collection method: clinical testing. Allele origin: germline. Affected: yes. Observed: 3 variant alleles.

Blueprint Genetics
Classification: Likely benign. Last evaluated: 2024-10-25. Review status: criteria provided, single submitter. Criteria: ACMG Guidelines, 2015. Collection method: clinical testing. Allele origin: germline.

Women's Health and Genetics/Laboratory Corporation of America, LabCorp
Classification: Uncertain significance. Last evaluated: 2023-07-25. Review status: criteria provided, single submitter. Criteria: LabCorp Variant Classification Summary - May 2015. Collection method: clinical testing. Allele origin: germline.
Comment: Variant summary: CACNA1A c.*134G>A is located in the untranslated mRNA region downstream of the termination codon. Three of three in-silico tools predict a benign effect of the variant on protein function. The variant allele was found at a frequency of 8.1e-05 in 73850 control chromosomes (gnomAD). The available data on variant occurrences in the general population are insufficient to allow any conclusion about variant significance. To our knowledge, no occurrence of c.*134G>A in individuals affected with Epileptic Encephalopathy, Early Infantile, 42 and no experimental evidence demonstrating its impact on protein function have been reported. Two submitters have cited clinical-significance assessments for this variant to ClinVar after 2014. One submitter classified the variant as likely benign, and one submitter classified the variant as uncertain significance. Based on the evidence outlined above, the variant was classified as uncertain significance.

Ambry Genetics
Classification: Likely benign for Inborn genetic diseases. Last evaluated: 2022-02-09. Review status: criteria provided, single submitter. Criteria: Ambry Variant Classification Scheme 2023. Collection method: clinical testing. Allele origin: germline.

Laboratorio de Genetica e Diagnostico Molecular, Hospital Israelita Albert Einstein
Classification: Uncertain significance. Last evaluated: 2019-03-21. Review status: criteria provided, single submitter. Criteria: ACMG Guidelines, 2015. Collection method: clinical testing. Allele origin: germline. Affected: yes.
Comment: ACMG classification criteria: BP4

PreventionGenetics, part of Exact Sciences
Classification: Uncertain significance for CACNA1A-related condition. Last evaluated: 2024-08-26. Review status: no assertion criteria provided. Collection method: clinical testing. Allele origin: germline. Not counted in ClinVar's aggregate classification.
Comment: The CACNA1A c.6922G>A variant is predicted to result in the amino acid substitution p.Gly2308Ser. To our knowledge, this variant has not been reported in the literature. This variant is reported in 0.016% of alleles in individuals of European (Non-Finnish) descent in gnomAD, which is slightly higher thtn expected for causative variant in this gene. This variant is post-coding in the main canonical transcript NM_001127221. Although we suspect that this variant may be benign, at this time, the clinical significance of this variant is uncertain due to the absence of conclusive functional and genetic evidence.